The following is an entry in ClinVar:

ClinVar aggregate classification (germline): Benign/Likely benign. Review status: criteria provided, multiple submitters, no conflicts (2 of 4 stars). 3 submissions from 3 submitters: Benign (1); Likely benign (2). Last evaluated 2026-03-20.

Conditions:
Familial adenomatous polyposis 1 (FAP1). Also called: FAMILIAL ADENOMATOUS POLYPOSIS 1, ATTENUATED; POLYPOSIS, ADENOMATOUS INTESTINAL. Identifiers: MedGen C2713442, MONDO:0021056, OMIM 175100. Disease mechanism: loss of function.
Hereditary cancer-predisposing syndrome. Also called: Tumor predisposition; Hereditary neoplastic syndrome; Neoplastic Syndromes, Hereditary; Hereditary Cancer Syndrome. Identifiers: Orphanet 140162, MedGen C0027672, MeSH D009386, MONDO:0015356.

Submissions (3):

Ambry Genetics
Classification: Likely benign for Hereditary cancer-predisposing syndrome. Last evaluated: 2026-03-20. Review status: criteria provided, single submitter. Criteria: Ambry Variant Classification Scheme 2023. Collection method: clinical testing. Allele origin: germline.

Labcorp Genetics (formerly Invitae), Labcorp
Classification: Likely benign for Familial adenomatous polyposis 1. Last evaluated: 2025-07-23. Review status: criteria provided, single submitter. Criteria: Invitae Variant Classification Sherloc (09022015). Collection method: clinical testing. Allele origin: germline.

Myriad Genetics, Inc.
Classification: Benign for Familial adenomatous polyposis 1. Last evaluated: 2024-03-01. Review status: criteria provided, single submitter. Criteria: Myriad Autosomal Dominant, Autosomal Recessive and X-Linked Classification Criteria (2023). Collection method: clinical testing. Allele origin: unknown.
Comment: This variant is considered benign. This variant is a silent/synonymous amino acid change and it is not expected to impact splicing.

NM_000038.6(APC):c.1320T>C (p.Ala440=)

Gene: APC (APC regulator of Wnt signaling pathway; plus strand). Cytogenetic location: 5q22.2.
Variant type: single nucleotide variant.
Coding change: c.1320T>C on transcript NM_000038.6 (MANE Select); coding-DNA position 1320, T replaced by C.
Protein change: p.Ala440=; no amino-acid change (alanine 440 retained).
Molecular consequence: synonymous variant. On other transcripts: non-coding transcript variant (2).
Genome position (GRCh38, 1-based): chr5:112,821,903, T>C. VCF-style: chr5-112821903-T-C. GRCh37 (hg19) VCF-style: chr5-112157600-T-C.
Other names: c.1320T>C, p.Ala440= (NM_001127510.3, NM_001354895.2, NM_001354896.2 and 4 more transcripts); c.1266T>C, p.Ala422= (NM_001127511.3); c.1350T>C, p.Ala450= (NM_001354897.2, NM_001407446.1); c.1245T>C, p.Ala415= (NM_001354898.2, NM_001407451.1); c.1236T>C, p.Ala412= (NM_001354899.2, NM_001407452.1); c.1143T>C, p.Ala381= (NM_001354900.2, NM_001354901.2, NM_001407453.1); c.1047T>C, p.Ala349= (NM_001354902.2); c.1017T>C, p.Ala339= (NM_001354903.2, NM_001407454.1, NM_001407455.1 and 5 more transcripts); and 6 more.
Identifiers: ClinVar variation 3148801 (VCV003148801.3), dbSNP rs2149791837, ClinGen allele CA445755836.
Genomic context (GRCh38, chr5:112,821,903, plus strand): 5'-CATTGCTCTTCAAATAACAAAGCATTATGGTTTATGTTGATTTTATTTTTCAGTGCCAGC[T>C]CCTGTTGAACATCAGATCTGTCCTGCTGTGTGTGTTCTAATGAAACTTTCATTTGATGAA-3'
Protein context (NP_000029.2, residues 430-450): GMDQDKNPMP[Ala440=]PVEHQICPAV